The following is an entry in ClinVar:

NC_000002.11:g.(?_44200726)_(44203388_?)del

Gene: LRPPRC (leucine rich pentatricopeptide repeat containing; minus strand). Cytogenetic location: 2p21.
Variant type: Deletion.
Identifiers: ClinVar variation 3247588 (VCV003247588.1).

ClinVar aggregate classification (germline): Pathogenic (1 of 4 stars; one submission).

Submission:

Labcorp Genetics (formerly Invitae), Labcorp
Classification: Pathogenic. Last evaluated: 2023-01-28. Review status: criteria provided, single submitter. Criteria: Invitae Variant Classification Sherloc (09022015). Collection method: clinical testing. Allele origin: unknown.
Comment: For these reasons, this variant has been classified as Pathogenic. This variant has not been reported in the literature in individuals affected with LRPPRC-related conditions. This variant is a gross deletion of the genomic region encompassing exon(s) 6-11 of the LRPPRC gene. This deletion is out-of-frame, and is expected to create a premature termination codon and result in an absent or disrupted protein product. Loss-of-function variants in LRPPRC are known to be pathogenic (PMID: 26510951).

Literature cited by the submitters: PubMed 26510951.